The following is an entry in ClinVar:

NM_000179.3(MSH6):c.1345C>T (p.Leu449=)

Gene: MSH6 (mutS homolog 6; plus strand). Cytogenetic location: 2p16.3.
Variant type: single nucleotide variant.
Coding change: c.1345C>T on transcript NM_000179.3 (MANE Select); coding-DNA position 1345, C replaced by T.
Protein change: p.Leu449=; no amino-acid change (leucine 449 retained).
Molecular consequence: synonymous variant.
Genome position (GRCh38, 1-based): chr2:47,799,328, C>T. VCF-style: chr2-47799328-C-T. GRCh37 (hg19) VCF-style: chr2-48026467-C-T.
Other names: p.L449L:CTG>TTG; c.955C>T, p.Leu319= (NM_001281492.2); c.439C>T, p.Leu147= (NM_001281493.2, NM_001281494.2).
Identifiers: ClinVar variation 36583 (VCV000036583.50), dbSNP rs3136333, ClinGen allele CA008508.

ClinVar aggregate classification (germline): Benign/Likely benign. Review status: criteria provided, multiple submitters, no conflicts (2 of 4 stars). 22 submissions from 22 submitters: Benign (15); Likely benign (1). 6 of the submissions do not count toward it. Last evaluated 2026-02-04.

Conditions:
Hereditary nonpolyposis colorectal neoplasms. Identifiers: MedGen C0009405, MeSH D003123.
Hereditary cancer-predisposing syndrome. Also called: Neoplastic Syndromes, Hereditary; Hereditary neoplastic syndrome; Tumor predisposition; Hereditary Cancer Syndrome. Identifiers: Orphanet 140162, MedGen C0027672, MeSH D009386, MONDO:0015356.
Breast and/or ovarian cancer. Identifiers: MedGen CN221562.
Lynch syndrome. Identifiers: Orphanet 144, MedGen C4552100, MONDO:0005835. Disease mechanism: loss of function.
Lynch syndrome 5 (LYNCH5). Also called: Colorectal cancer, hereditary nonpolyposis, type 5; Hereditary non-polyposis colorectal cancer, type 5. Identifiers: Orphanet 144, MedGen C1833477, MONDO:0013710, OMIM 614350. Disease mechanism: loss of function.
Malignant tumor of breast. Also called: Cancer breast; Malignant breast neoplasm. Identifiers: MedGen C0006142, MONDO:0007254. Disease mechanism: loss of function.

Allele frequency attached by ClinVar (database versions not stated): gnomAD exomes 0.00106; ExAC 0.00124; 1000 Genomes Project 0.00300; 1000 Genomes Project 30x 0.00344; gnomAD 0.00394 and 0.00429; TOPMed 0.00466; ESP Exome Variant Server 0.00469.

Submissions (22):

Labcorp Genetics (formerly Invitae), Labcorp
Classification: Benign for Hereditary nonpolyposis colorectal neoplasms. Last evaluated: 2026-02-04. Review status: criteria provided, single submitter. Criteria: Invitae Variant Classification Sherloc (09022015). Collection method: clinical testing. Allele origin: germline.

Institute for Biomarker Research, Medical Diagnostic Laboratories, L.L.C.
Classification: Benign for Hereditary cancer-predisposing syndrome. Last evaluated: 2025-01-10. Review status: criteria provided, single submitter. Criteria: ACMG Guidelines, 2015. Collection method: clinical testing. Allele origin: germline.
Comment: The synonymous variant NM_000179.3(MSH6):c.1345C>T (p.Leu449=) has been reported to ClinVar as Benign with a status of (2 stars) criteria provided, multiple submitters, no conflicts (Variation ID 36583 as of 2025-01-02). The variant is observed in one or more wwhich is greater than expected for the disorder. The p.Leu449= variant is not predicted to disrupt an existing splice site. The p.Leu449= variant is predicted to introduce a novel splice site by 1 of 4 splice site algorithms. For these reasons, this variant has been classified as Benign.

Myriad Genetics, Inc.
Classification: Benign for Lynch syndrome 5. Last evaluated: 2024-12-26. Review status: criteria provided, single submitter. Criteria: Myriad Autosomal Dominant, Autosomal Recessive and X-Linked Classification Criteria (2023). Collection method: clinical testing. Allele origin: unknown.
Comment: This variant is considered benign. This variant is a silent/synonymous amino acid change and it is not expected to impact splicing.

Blueprint Genetics
Classification: Likely benign. Last evaluated: 2024-10-02. Review status: criteria provided, single submitter. Criteria: ACMG Guidelines, 2015. Collection method: clinical testing. Allele origin: germline.

KCCC/NGS Laboratory, Kuwait Cancer Control Center
Classification: Benign for Lynch syndrome 5. Last evaluated: 2023-07-07. Review status: criteria provided, single submitter. Criteria: ACMG Guidelines, 2015. Collection method: clinical testing. Allele origin: germline. Affected: yes.

Genetic Services Laboratory, University of Chicago
Classification: Benign. Last evaluated: 2021-11-23. Review status: criteria provided, single submitter. Criteria: ACMG Guidelines, 2015. Collection method: clinical testing. Allele origin: germline. Affected: no.

CHEO Genetics Diagnostic Laboratory, Children's Hospital of Eastern Ontario
Classification: Benign for Breast and/or ovarian cancer. Last evaluated: 2021-09-21. Review status: criteria provided, single submitter. Criteria: ACMG Guidelines, 2015. Collection method: clinical testing. Allele origin: germline.

ARUP Laboratories, Molecular Genetics and Genomics, ARUP Laboratories
Classification: Benign. Last evaluated: 2021-05-08. Review status: criteria provided, single submitter. Criteria: ARUP Molecular Germline Variant Investigation Process 2021. Collection method: clinical testing. Allele origin: germline.

Illumina Laboratory Services, Illumina
Classification: Benign for Lynch syndrome 5. Last evaluated: 2018-01-31. Review status: criteria provided, single submitter. Criteria: ICSL Variant Classification Criteria 13 December 2019. Collection method: clinical testing. Allele origin: germline.
Comment: This variant was observed as part of a predisposition screen in an ostensibly healthy population. A literature search was performed for the gene, cDNA change, and amino acid change (where applicable). No publications were found based on this search. Allele frequency data from public databases was too high to be consistent with this variant causing disease. Therefore, this variant is classified as benign.

PreventionGenetics, part of Exact Sciences
Classification: Benign. Last evaluated: 2017-01-30. Review status: criteria provided, single submitter. Criteria: ACMG Guidelines, 2015. Collection method: clinical testing. Allele origin: germline.

Color Diagnostics, LLC DBA Color Health
Classification: Benign for Hereditary cancer-predisposing syndrome. Last evaluated: 2015-04-22. Review status: criteria provided, single submitter. Criteria: ACMG Guidelines, 2015. Collection method: clinical testing. Allele origin: germline.

Ambry Genetics
Classification: Benign for Hereditary cancer-predisposing syndrome. Last evaluated: 2014-11-18. Review status: criteria provided, single submitter. Criteria: Ambry Variant Classification Scheme 2023. Collection method: clinical testing. Allele origin: germline.

Eurofins Ntd Llc (ga)
Classification: Benign. Last evaluated: 2014-03-17. Review status: criteria provided, single submitter. Criteria: EGL Classification Definitions 2015. Collection method: clinical testing. Allele origin: germline. Observed: 1 variant allele, 1 heterozygote.

GeneDx
Classification: Benign. Last evaluated: 2014-01-09. Review status: criteria provided, single submitter. Criteria: GeneDx Variant Classification (06012015). Collection method: clinical testing. Allele origin: germline. Affected: yes.
Comment: This variant is considered likely benign or benign based on one or more of the following criteria: it is a conservative change, it occurs at a poorly conserved position in the protein, it is predicted to be benign by multiple in silico algorithms, and/or has population frequency not consistent with disease.

Women's Health and Genetics/Laboratory Corporation of America, LabCorp
Classification: Benign for Hereditary non-polyposis colon cancer. Last evaluated: 2011-08-18. Review status: criteria provided, single submitter. Criteria: LabCorp Variant Classification Summary - May 2015. Collection method: curation. Allele origin: germline. Inheritance: autosomal unknown. Affected: yes.
ClinVar note: Converted during submission from benign to Benign.

Breakthrough Genomics
Classification: Benign. Review status: criteria provided, single submitter. Criteria: ACMG Guidelines, 2015. Collection method: not provided. Allele origin: germline. Inheritance: Autosomal recessive inheritance. Affected: yes.

Clinical Genetics Laboratory, Department of Pathology, Netherlands Cancer Institute
Classification: Likely benign. Review status: no assertion criteria provided. Collection method: clinical testing. Allele origin: germline. Affected: yes. Study: VKGL Data-share Consensus. Not counted in ClinVar's aggregate classification.

Clinical Genetics, Academic Medical Center
Classification: Likely benign. Review status: no assertion criteria provided. Collection method: clinical testing. Allele origin: germline. Affected: yes. Study: VKGL Data-share Consensus. Not counted in ClinVar's aggregate classification.

Department of Pathology and Laboratory Medicine, Sinai Health System
Classification: Benign for Malignant tumor of breast. Review status: no assertion criteria provided. Collection method: clinical testing. Allele origin: unknown. Affected: yes. Study: The Canadian Open Genetics Repository (COGR). Not counted in ClinVar's aggregate classification.
Comment: The MSH6 p.Leu449= variant was not identified in the literature. The variant was identified in dbSNP (ID: rs3136333) as "With Benign allele", ClinVar (classified as benign by Invitae, Ambry Genetics and six other submitters), and in UMD-LSDB (2x as neutral) database. The variant was identified in control databases in 351 of 276748 chromosomes (2 homozygous) at a frequency of 0.001, increasing the likelihood this could be a low frequency benign variant (Genome Aggregation Database Feb 27, 2017). The variant was observed in the following populations: African in 341 of 24010 chromosomes (2 homozygous, freq: 0.01), Other in 1 of 6464 chromosomes (freq: 0.0002), Latino in 5 of 34396 chromosomes (freq: 0.0002), European in 3 of 126476 chromosomes (freq: 0.00002), and South Asian in 1 of 30782 chromosomes (freq: 0.00003), while the variant was not observed in the Ashkenazi Jewish, East Asian, or Finnish populations. The p.Leu449= variant is not expected to have clinical significance because it does not result in a change of amino acid and is not located in a known consensus splice site. However, 1 of 4 in silico or computational prediction software programs (SpliceSiteFinder, MaxEntScan, NNSPLICE, GeneSplicer) predicts a greater that 10% difference in splicing. In summary, based on the above information this variant meets our laboratory's criteria to be classified as benign.

Genome Diagnostics Laboratory, Amsterdam University Medical Center
Classification: Benign. Review status: no assertion criteria provided. Collection method: clinical testing. Allele origin: germline. Affected: yes. Study: VKGL Data-share Consensus. Not counted in ClinVar's aggregate classification.

Joint Genome Diagnostic Labs from Nijmegen and Maastricht, Radboudumc and MUMC+
Classification: Benign. Review status: no assertion criteria provided. Collection method: clinical testing. Allele origin: germline. Affected: yes. Study: VKGL Data-share Consensus. Not counted in ClinVar's aggregate classification.

Mayo Clinic Laboratories, Mayo Clinic
Classification: Benign. Review status: no assertion criteria provided. Collection method: clinical testing. Allele origin: unknown. Not counted in ClinVar's aggregate classification.